The following is an entry in ClinVar:

ClinVar aggregate classification (germline): Uncertain significance (1 of 4 stars; one submission).

Submission:

Labcorp Genetics (formerly Invitae), Labcorp
Classification: Uncertain significance. Last evaluated: 2025-03-20. Review status: criteria provided, single submitter. Criteria: Invitae Variant Classification Sherloc (09022015). Collection method: clinical testing. Allele origin: germline.
Comment: This sequence change replaces leucine, which is neutral and non-polar, with isoleucine, which is neutral and non-polar, at codon 669 of the SIN3A protein (p.Leu669Ile). This variant is not present in population databases (gnomAD no frequency). This variant has not been reported in the literature in individuals affected with SIN3A-related conditions. Invitae Evidence Modeling of protein sequence and biophysical properties (such as structural, functional, and spatial information, amino acid conservation, physicochemical variation, residue mobility, and thermodynamic stability) indicates that this missense variant is not expected to disrupt SIN3A protein function with a negative predictive value of 80%. In summary, the available evidence is currently insufficient to determine the role of this variant in disease. Therefore, it has been classified as a Variant of Uncertain Significance.

NM_001145358.2(SIN3A):c.2005C>A (p.Leu669Ile)

Gene: SIN3A (SIN3 transcription regulator family member A; minus strand). Cytogenetic location: 15q24.2.
Variant type: single nucleotide variant.
Coding change: c.2005C>A on transcript NM_001145358.2 (MANE Select); coding-DNA position 2005, C replaced by A.
Protein change: p.Leu669Ile; replaces leucine 669 with isoleucine.
Molecular consequence: missense variant.
Genome position (GRCh38, 1-based): chr15:75,396,346, G>T on the plus strand (C>A on the coding strand, the complement: SIN3A is on the minus strand). VCF-style: chr15-75396346-G-T. GRCh37 (hg19) VCF-style: chr15-75688687-G-T.
Other names: c.2005C>A, p.Leu669Ile (NM_001145357.2, NM_001437462.1, NM_001437463.1 and 1 more transcripts); short protein forms L669I.
Identifiers: ClinVar variation 4742528 (VCV004742528.1).
Genomic context (GRCh38, chr15:75,396,346, plus strand): 5'-AGGGATTCTTTCTCAGACCATCAATGATGTCAGCTGCTTTATCAGCATATATCCTCTGGA[G>T]TGCTTTTCTATGGATGACTTCTGATGTGCCCCCAAGGGTGTTGTCCAAGCGAAATTTGGC-3'
Protein context (NP_001138830.1, residues 659-679): GTSEVIHRKA[Leu669Ile]QRIYADKAAD